The following is an entry in ClinVar:

NM_007259.5(VPS45):c.1162G>A (p.Val388Met)

Gene: VPS45 (vacuolar protein sorting 45 homolog; plus strand). Cytogenetic location: 1q21.2.
Variant type: single nucleotide variant.
Coding change: c.1162G>A on transcript NM_007259.5 (MANE Select); coding-DNA position 1162, G replaced by A.
Protein change: p.Val388Met; replaces valine 388 with methionine.
Molecular consequence: missense variant. On other transcripts: non-coding transcript variant (1).
Genome position (GRCh38, 1-based): chr1:150,091,994, G>A. VCF-style: chr1-150091994-G-A. GRCh37 (hg19) VCF-style: chr1-150064088-G-A.
Other names: c.847G>A, p.Val283Met (NM_001279353.2); c.1054G>A, p.Val352Met (NM_001279354.2); short protein forms V283M, V388M, V352M.
Identifiers: ClinVar variation 851006 (VCV000851006.5), dbSNP rs782104716, ClinGen allele CA1073325.

ClinVar aggregate classification (germline): Uncertain significance. Review status: criteria provided, single submitter (1 of 4 stars). 2 submissions from 2 submitters: Uncertain significance (1). 1 of the submissions does not count toward it. Last evaluated 2021-08-30.

Conditions:
Congenital neutropenia-myelofibrosis-nephromegaly syndrome. Also called: Severe congenital neutropenia 5, autosomal recessive. Identifiers: Orphanet 369852, MedGen C3809031, MONDO:0014118, OMIM 615285.

Allele frequency attached by ClinVar (database versions not stated): ExAC 0.00001; gnomAD 0.00001; TOPMed 0.00001.
gnomAD v4.1: 2 of 1,613,952 alleles (0.00012%); highest among the groups gnomAD compares: Admixed American, 0.0017%; no homozygotes.

Submissions (2):

Labcorp Genetics (formerly Invitae), Labcorp
Classification: Uncertain significance for Congenital neutropenia-myelofibrosis-nephromegaly syndrome. Last evaluated: 2021-08-30. Review status: criteria provided, single submitter. Criteria: Invitae Variant Classification Sherloc (09022015). Collection method: clinical testing. Allele origin: germline.
Comment: This sequence change replaces valine with methionine at codon 388 of the VPS45 protein (p.Val388Met). The valine residue is highly conserved and there is a small physicochemical difference between valine and methionine. This variant is present in population databases (rs782104716, ExAC 0.001%). This variant has not been reported in the literature in individuals affected with VPS45-related conditions. Algorithms developed to predict the effect of missense changes on protein structure and function are either unavailable or do not agree on the potential impact of this missense change (SIFT: "Deleterious"; PolyPhen-2: "Probably Damaging"; Align-GVGD: "Class C0"). In summary, the available evidence is currently insufficient to determine the role of this variant in disease. Therefore, it has been classified as a Variant of Uncertain Significance.

Natera, Inc.
Classification: Uncertain significance for Autosomal recessive severe congenital neutropenia 5. Last evaluated: 2020-09-16. Review status: no assertion criteria provided. Collection method: clinical testing. Allele origin: germline. Not counted in ClinVar's aggregate classification.